The following is an entry in ClinVar:

ClinVar aggregate classification (germline): Likely benign. Review status: criteria provided, multiple submitters, no conflicts (2 of 4 stars). 3 submissions from 3 submitters: Likely benign (2). 1 of the submissions does not count toward it. Last evaluated 2025-01-16.

Conditions:
DNAH11-related disorder. Also called: DNAH11-related condition.
Primary ciliary dyskinesia. Also called: Ciliary dyskinesia. Identifiers: Orphanet 244, MedGen C0008780, MONDO:0016575, HP:0012265.

Allele frequency attached by ClinVar (database versions not stated): TOPMed below 0.00001; gnomAD exomes 0.00001.
gnomAD v4.1: 3 of 1,602,196 alleles (0.00019%); highest among the groups gnomAD compares: Admixed American, 0.0052%; no homozygotes.

Submissions (3):

Ambry Genetics
Classification: Likely benign for Primary ciliary dyskinesia. Last evaluated: 2025-01-16. Review status: criteria provided, single submitter. Criteria: Ambry Variant Classification Scheme 2023. Collection method: clinical testing. Allele origin: germline.

Labcorp Genetics (formerly Invitae), Labcorp
Classification: Likely benign for Primary ciliary dyskinesia. Last evaluated: 2024-01-11. Review status: criteria provided, single submitter. Criteria: Invitae Variant Classification Sherloc (09022015). Collection method: clinical testing. Allele origin: germline.

PreventionGenetics, part of Exact Sciences
Classification: Likely benign for DNAH11-related condition. Last evaluated: 2024-09-01. Review status: no assertion criteria provided. Collection method: clinical testing. Allele origin: germline. Not counted in ClinVar's aggregate classification.
Comment: This variant is classified as likely benign based on ACMG/AMP sequence variant interpretation guidelines (Richards et al. 2015 PMID: 25741868, with internal and published modifications).

NM_001277115.2(DNAH11):c.8805C>A (p.Ile2935=)

Gene: DNAH11 (dynein axonemal heavy chain 11; plus strand). Cytogenetic location: 7p15.3.
Variant type: single nucleotide variant.
Coding change: c.8805C>A on transcript NM_001277115.2 (MANE Select); coding-DNA position 8805, C replaced by A.
Protein change: p.Ile2935=; no amino-acid change (isoleucine 2935 retained).
Molecular consequence: synonymous variant.
Genome position (GRCh38, 1-based): chr7:21,750,229, C>A. VCF-style: chr7-21750229-C-A. GRCh37 (hg19) VCF-style: chr7-21789847-C-A.
Other names: c.8805C>A (NM_001277115.1); c.8826C>A, p.Ile2942= (NM_003777.3).
Identifiers: ClinVar variation 2847729 (VCV002847729.5), dbSNP rs985677182, ClinGen allele CA155122599.